The following is an entry in ClinVar:

NM_022836.4(DCLRE1B):c.1256A>G (p.Gln419Arg)

Gene: DCLRE1B (DNA cross-link repair 1B; plus strand). Cytogenetic location: 1p13.2.
Variant type: single nucleotide variant.
Coding change: c.1256A>G on transcript NM_022836.4 (MANE Select); coding-DNA position 1256, A replaced by G.
Protein change: p.Gln419Arg; replaces glutamine 419 with arginine.
Molecular consequence: missense variant. On other transcripts: intron variant (2).
Genome position (GRCh38, 1-based): chr1:113,911,848, A>G. VCF-style: chr1-113911848-A-G. GRCh37 (hg19) VCF-style: chr1-114454470-A-G.
Other names: c.1256A>G, p.Gln419Arg (LRG_1219t1); c.878A>G, p.Gln293Arg (NM_001319946.2, NM_001319947.2); c.1246+10A>G (NM_001363690.2); c.868+10A>G (NM_001363691.2); short protein forms Q419R, Q293R.
Identifiers: ClinVar variation 579256 (VCV000579256.11), dbSNP rs764178255, ClinGen allele CA1016557.
Genomic context (GRCh38, chr1:113,911,848, plus strand): 5'-AGTTGTTCCCAGATCTCTATAGCAAAGAATGGAACAAGGCAGTGCCTTTCTGTGAGTCTC[A>G]AAAGAGGGTGACTATGTTGACGGCCCCACTGGGATTTTCAGTGCACTTAAGGTCTACAGA-3'
Protein context (NP_073747.1, residues 409-429): WNKAVPFCES[Gln419Arg]KRVTMLTAPL

ClinVar aggregate classification (germline): Uncertain significance. Review status: criteria provided, multiple submitters, no conflicts (2 of 4 stars). 2 submissions from 2 submitters: Uncertain significance (2). Last evaluated 2025-09-22.

Conditions:
Hoyeraal-Hreidarsson syndrome (HHS). Also called: CEREBELLAR HYPOPLASIA WITH PANCYTOPENIA. Identifiers: Orphanet 3322, MedGen C1846142, MONDO:0018045.
Autosomal recessive dyskeratosis congenita. Identifiers: MedGen C3502105.

Allele frequency attached by ClinVar (database versions not stated): ExAC 0.00001; gnomAD exomes 0.00003 and 0.00005; gnomAD 0.00006; TOPMed 0.00006.
gnomAD v4.1: 87 of 1,614,130 alleles (0.0054%); highest among the groups gnomAD compares: Non-Finnish European, 0.0071%; no homozygotes.

Submissions (2):

Ambry Genetics
Classification: Uncertain significance. Last evaluated: 2025-09-22. Review status: criteria provided, single submitter. Criteria: Ambry Variant Classification Scheme 2023. Collection method: clinical testing. Allele origin: germline.

Labcorp Genetics (formerly Invitae), Labcorp
Classification: Uncertain significance for Hoyeraal-Hreidarsson syndrome; Autosomal recessive dyskeratosis congenita. Last evaluated: 2018-06-23. Review status: criteria provided, single submitter. Criteria: Invitae Variant Classification Sherloc (09022015). Collection method: clinical testing. Allele origin: germline.
Comment: This variant is present in population databases (rs764178255, ExAC 0.001%). This variant has not been reported in the literature in individuals with DCLRE1B-related disease. Algorithms developed to predict the effect of missense changes on protein structure and function (SIFT, PolyPhen-2, Align-GVGD) all suggest that this variant is likely to be tolerated, but these predictions have not been confirmed by published functional studies and their clinical significance is uncertain. In summary, the available evidence is currently insufficient to determine the role of this variant in disease. Therefore, it has been classified as a Variant of Uncertain Significance. This sequence change replaces glutamine with arginine at codon 419 of the DCLRE1B protein (p.Gln419Arg). The glutamine residue is weakly conserved and there is a small physicochemical difference between glutamine and arginine.